The following is an entry in ClinVar:

NM_001040108.2(MLH3):c.*2590T>C

Gene: MLH3 (mutL homolog 3; minus strand). Cytogenetic location: 14q24.3.
Variant type: single nucleotide variant.
Coding change: c.*2590T>C on transcript NM_001040108.2 (MANE Select); 2590 bases downstream of the stop codon, T replaced by C.
Molecular consequence: 3 prime UTR variant.
Genome position (GRCh38, 1-based): chr14:75,014,492, A>G on the plus strand (T>C on the coding strand, the complement: MLH3 is on the minus strand). VCF-style: chr14-75014492-A-G. GRCh37 (hg19) VCF-style: chr14-75481195-A-G.
Other names: c.*2590T>C (NM_014381.3).
Identifiers: ClinVar variation 314350 (VCV000314350.5), dbSNP rs138458771, ClinGen allele CA10640967.

ClinVar aggregate classification (germline): Likely benign (1 of 4 stars; one submission).

Conditions:
Colorectal cancer, hereditary nonpolyposis, type 7. Identifiers: Orphanet 144, MedGen C1858380, MONDO:0013725, OMIM 614385.

Allele frequency attached by ClinVar (database versions not stated): gnomAD exomes 0.00103; 1000 Genomes Project 0.00300; TOPMed 0.00488; gnomAD 0.00446 and 0.00486; 1000 Genomes Project 30x 0.00328.
gnomAD v4.1: 710 of 190,568 alleles (0.37%); highest among the groups gnomAD compares: African/African-American, 1.6%; 4 homozygotes.

Submission:

Illumina Laboratory Services, Illumina
Classification: Likely benign for Colorectal cancer, hereditary nonpolyposis, type 7. Last evaluated: 2018-01-13. Review status: criteria provided, single submitter. Criteria: ICSL Variant Classification Criteria 13 December 2019. Collection method: clinical testing. Allele origin: germline.
Comment: This variant was observed in the ICSL laboratory as part of a predisposition screen in an ostensibly healthy population. It had not been previously curated by ICSL or reported in the Human Gene Mutation Database (HGMD: prior to June 1st, 2018), and was therefore a candidate for classification through an automated scoring system. Utilizing variant allele frequency, disease prevalence and penetrance estimates, and inheritance mode, an automated score was calculated to assess if this variant is too frequent to cause the disease. Based on the score and internal cut-off values, a variant classified as likely benign is not then subjected to further curation. The score for this variant resulted in a classification of likely benign for this disease.